The following is an entry in ClinVar:

ClinVar aggregate classification (germline): Uncertain significance (1 of 4 stars; one submission).

Conditions:
Hereditary breast ovarian cancer syndrome. Also called: Hereditary breast and ovarian cancer syndrome; Hereditary breast and ovarian cancer syndrome (HBOC); BRCA1- and BRCA2-Associated Hereditary Breast and Ovarian Cancer; Hereditary breast and ovarian cancer; Breast and ovarian cancer; Hereditary breast and/or ovarian cancer syndrome. Identifiers: Orphanet 145, MedGen C0677776, MeSH D061325, MONDO:0003582. Disease mechanism: loss of function.

Submission:

Labcorp Genetics (formerly Invitae), Labcorp
Classification: Uncertain significance for Hereditary breast ovarian cancer syndrome. Last evaluated: 2024-02-24. Review status: criteria provided, single submitter. Criteria: Invitae Variant Classification Sherloc (09022015). Collection method: clinical testing. Allele origin: germline.
Comment: This sequence change replaces isoleucine, which is neutral and non-polar, with leucine, which is neutral and non-polar, at codon 1470 of the BRCA2 protein (p.Ile1470Leu). This variant is not present in population databases (gnomAD no frequency). This variant has not been reported in the literature in individuals affected with BRCA2-related conditions. Advanced modeling of protein sequence and biophysical properties (such as structural, functional, and spatial information, amino acid conservation, physicochemical variation, residue mobility, and thermodynamic stability) performed at Invitae indicates that this missense variant is not expected to disrupt BRCA2 protein function with a negative predictive value of 95%. In summary, the available evidence is currently insufficient to determine the role of this variant in disease. Therefore, it has been classified as a Variant of Uncertain Significance.

NM_000059.4(BRCA2):c.4408A>T (p.Ile1470Leu)

Gene: BRCA2 (BRCA2 DNA repair associated; plus strand). Cytogenetic location: 13q13.1.
Variant type: single nucleotide variant.
Coding change: c.4408A>T on transcript NM_000059.4 (MANE Select); coding-DNA position 4408, A replaced by T.
Protein change: p.Ile1470Leu; replaces isoleucine 1470 with leucine.
Molecular consequence: missense variant. On other transcripts: non-coding transcript variant (1), intron variant (2).
Genome position (GRCh38, 1-based): chr13:32,338,763, A>T. VCF-style: chr13-32338763-A-T. GRCh37 (hg19) VCF-style: chr13-32912900-A-T.
Other names: c.4408A>T, p.Ile1470Leu (NM_001406719.1, NM_001406720.1, NM_001432077.1); c.1909+5376A>T (NM_001406721.1); c.425-5795A>T (NM_001406722.1); short protein forms I1470L.
Identifiers: ClinVar variation 3636475 (VCV003636475.2).